The following is an entry in ClinVar:

ClinVar aggregate classification (germline): Uncertain significance (1 of 4 stars; one submission).

Submission:

Labcorp Genetics (formerly Invitae), Labcorp
Classification: Uncertain significance. Last evaluated: 2024-07-29. Review status: criteria provided, single submitter. Criteria: Invitae Variant Classification Sherloc (09022015). Collection method: clinical testing. Allele origin: germline.
Comment: This variant, c.3667_3669del, results in the deletion of 1 amino acid(s) of the ALPK3 protein (p.Asn1223del), but otherwise preserves the integrity of the reading frame. This variant is not present in population databases (gnomAD no frequency). This variant has not been reported in the literature in individuals affected with ALPK3-related conditions. Experimental studies and prediction algorithms are not available or were not evaluated, and the functional significance of this variant is currently unknown. In summary, the available evidence is currently insufficient to determine the role of this variant in disease. Therefore, it has been classified as a Variant of Uncertain Significance.

NM_020778.5(ALPK3):c.3058AAC[1] (p.Asn1021del)

Gene: ALPK3 (alpha kinase 3; plus strand). Cytogenetic location: 15q25.3.
Variant type: Microsatellite.
Coding change: c.3058AAC[1] on transcript NM_020778.5 (MANE Select); one copy of the 3-base unit AAC starting at c.3058; the reference has two copies in a row; one copy, 3 bases deleted.
Protein change: p.Asn1021del; deletes asparagine 1021.
Molecular consequence: inframe deletion.
Genome position (GRCh38, 1-based): chr15:84,857,799-84,857,801, AAC deleted; deleting any 3 consecutive bases within chr15:84,857,796-84,857,801 gives the same sequence; the position shown is the placement nearest the transcript's 3' end. VCF-style (leftmost placement, unchanged base first): chr15-84857795-GAAC-G. GRCh37 (hg19) VCF-style: chr15-85401026-GAAC-G.
Other names: short protein forms N1021del.
Identifiers: ClinVar variation 2021760 (VCV002021760.4), dbSNP rs2505721185, ClinGen allele CA2580613306.